The following is an entry in ClinVar:

ClinVar aggregate classification (germline): Uncertain significance (1 of 4 stars; one submission).

Submission:

GeneDx
Classification: Uncertain significance. Last evaluated: 2024-12-23. Review status: criteria provided, single submitter. Criteria: GeneDx Variant Classification Process June 2021. Collection method: clinical testing. Allele origin: germline. Affected: yes.
Comment: Not observed at significant frequency in large population cohorts (gnomAD); In silico analysis supports that this missense variant has a deleterious effect on protein structure/function; Has not been previously published as pathogenic or benign to our knowledge

NM_002578.5(PAK3):c.295G>A (p.Ala99Thr)

Gene: PAK3 (p21 (RAC1) activated kinase 3; plus strand). Cytogenetic location: Xq23.
Variant type: single nucleotide variant.
Coding change: c.295G>A on transcript NM_002578.5 (MANE Select); coding-DNA position 295, G replaced by A.
Protein change: p.Ala99Thr; replaces alanine 99 with threonine.
Molecular consequence: missense variant. On other transcripts: non-coding transcript variant (2).
Genome position (GRCh38, 1-based): chrX:111,147,755, G>A. VCF-style: chrX-111147755-G-A. GRCh37 (hg19) VCF-style: chrX-110390983-G-A.
Other names: c.295G>A, p.Ala99Thr (NM_001128166.3, NM_001128167.3, NM_001324325.2 and 5 more transcripts); c.403G>A, p.Ala135Thr (NM_001128168.3); c.358G>A, p.Ala120Thr (NM_001128172.2); c.340G>A, p.Ala114Thr (NM_001128173.3, NM_001324327.2, NM_001324328.2 and 2 more transcripts); short protein forms A114T, A120T, A135T, A99T.
Identifiers: ClinVar variation 3906437 (VCV003906437.1).